The following is an entry in ClinVar:

ClinVar aggregate classification (germline): Uncertain significance (1 of 4 stars; one submission).

Conditions:
Hereditary cancer-predisposing syndrome. Also called: Neoplastic Syndromes, Hereditary; Tumor predisposition; Hereditary Cancer Syndrome; Hereditary neoplastic syndrome. Identifiers: Orphanet 140162, MedGen C0027672, MeSH D009386, MONDO:0015356.

Submission:

Ambry Genetics
Classification: Uncertain significance for Hereditary cancer-predisposing syndrome. Last evaluated: 2021-08-17. Review status: criteria provided, single submitter. Criteria: Ambry Variant Classification Scheme 2023. Collection method: clinical testing. Allele origin: germline.
Comment: The p.E55Q variant (also known as c.163G>C), located in coding exon 2 of the POLE gene, results from a G to C substitution at nucleotide position 163. The glutamic acid at codon 55 is replaced by glutamine, an amino acid with highly similar properties. This amino acid position is conserved. In addition, this alteration is predicted to be tolerated by in silico analysis. Since supporting evidence is limited at this time, the clinical significance of this alteration remains unclear.

NM_006231.4(POLE):c.163G>C (p.Glu55Gln)

Gene: POLE (DNA polymerase epsilon, catalytic subunit; minus strand). Cytogenetic location: 12q24.33.
Variant type: single nucleotide variant.
Coding change: c.163G>C on transcript NM_006231.4 (MANE Select); coding-DNA position 163, G replaced by C.
Protein change: p.Glu55Gln; replaces glutamic acid 55 with glutamine.
Molecular consequence: missense variant.
Genome position (GRCh38, 1-based): chr12:132,681,179, C>G on the plus strand (G>C on the coding strand, the complement: POLE is on the minus strand). VCF-style: chr12-132681179-C-G. GRCh37 (hg19) VCF-style: chr12-133257765-C-G.
Other names: short protein forms E55Q.
Identifiers: ClinVar variation 1777017 (VCV001777017.2), dbSNP rs2136033926, ClinGen allele CA387369882.